The following is an entry in ClinVar:

NM_170707.4(LMNA):c.1747_1750dup (p.Arg584fs)

Gene: LMNA (lamin A/C; plus strand). Cytogenetic location: 1q22.
Variant type: Duplication.
Coding change: c.1747_1750dup on transcript NM_170707.4 (MANE Select); coding-DNA positions 1747 to 1750, 4 bases duplicated (TCGC; older notation c.1747_1750dupTCGC).
Protein change: p.Arg584fs; shifts the reading frame from arginine 584.
Molecular consequence: frameshift variant.
Genome position (GRCh38, 1-based): chr1:156,138,536-156,138,539, TCGC duplicated; duplicating any 4 consecutive bases within chr1:156,138,533-156,138,539 gives the same sequence; the c. name uses the placement nearest the transcript's 3' end. VCF-style (leftmost placement, unchanged base first): chr1-156138532-G-GCGCT. GRCh37 (hg19) VCF-style: chr1-156108323-G-GCGCT.
Other names: c.1411_1414dup, p.Arg472fs (NM_001257374.3); c.1747_1750dup, p.Arg584fs (NM_001282626.2); c.1657_1660dup, p.Arg554fs (NM_170708.4); short protein forms R584fs, R472fs, R554fs.
Identifiers: ClinVar variation 920663 (VCV000920663.5), dbSNP rs1651858164, ClinGen allele CA1139656351.
Genomic context (GRCh38, chr1:156,138,532, plus strand): 5'-TTGTCTCCCTTCCCAGGGCTCCCACTGCAGCAGCTCGGGGGACCCCGCTGAGTACAACCT[G>GCGCT]CGCTCGCGCACCGTGCTGTGCGGGACCTGCGGGCAGCCTGCCGACAAGGCATCTGCCAGC-3'

ClinVar aggregate classification (germline): Uncertain significance (1 of 4 stars; one submission).

Conditions:
Cardiomyopathy (CMYO). Also called: Cardiomyopathies. Identifiers: Orphanet 167848, MedGen C0878544, MONDO:0004994, HP:0001638. Inheritance: Various modes of inheritance.

Submission:

Color Diagnostics, LLC DBA Color Health
Classification: Uncertain significance for Cardiomyopathy. Last evaluated: 2023-07-27. Review status: criteria provided, single submitter. Criteria: ACMG Guidelines, 2015. Collection method: clinical testing. Allele origin: germline.
Comment: This variant inserts 4 nucleotides in exon 11 of the LMNA gene. This variant is expected to extend the length of the lamin A protein due to the addition of 60 novel amino acids after the site of frameshift. To our knowledge, functional studies have not been reported for this variant. This variant has not been reported in individuals affected with LMNA-related disorders in the literature. This variant has not been identified in the general population by the Genome Aggregation Database (gnomAD). The available evidence is insufficient to determine the role of this variant in disease conclusively. Therefore, this variant is classified as a Variant of Uncertain Significance.